The following is an entry in ClinVar:

ClinVar aggregate classification (germline): Uncertain significance (1 of 4 stars; one submission).

Submission:

Labcorp Genetics (formerly Invitae), Labcorp
Classification: Uncertain significance. Last evaluated: 2024-12-16. Review status: criteria provided, single submitter. Criteria: Invitae Variant Classification Sherloc (09022015). Collection method: clinical testing. Allele origin: germline.
Comment: This variant, c.396_416dup, results in the insertion of 7 amino acid(s) of the ANKZF1 protein (p.Asp132_Glu138dup), but otherwise preserves the integrity of the reading frame. This variant is not present in population databases (gnomAD no frequency). This variant has not been reported in the literature in individuals affected with ANKZF1-related conditions. In summary, the available evidence is currently insufficient to determine the role of this variant in disease. Therefore, it has been classified as a Variant of Uncertain Significance.

NM_018089.3(ANKZF1):c.396_416dup (p.Glu138_Glu139insAspSerAspSerAlaSerGlu)

Gene: ANKZF1 (ankyrin repeat and zinc finger peptidyl tRNA hydrolase 1; plus strand). Cytogenetic location: 2q35.
Variant type: Duplication.
Coding change: c.396_416dup on transcript NM_018089.3 (MANE Select); coding-DNA positions 396 to 416, 21 bases duplicated (CTCAGACTCAGCCAGTGAGGA).
Protein change: p.Glu138_Glu139insAspSerAspSerAlaSerGlu.
Molecular consequence: inframe insertion. On other transcripts: 5 prime UTR variant (1).
Genome position (GRCh38, 1-based): chr2:219,232,521-219,232,541, CTCAGACTCAGCCAGTGAGGA duplicated; duplicating any 21 consecutive bases within chr2:219,232,519-219,232,541 gives the same sequence; the c. name uses the placement nearest the transcript's 3' end. VCF-style (leftmost placement, unchanged base first): chr2-219232518-A-AGACTCAGACTCAGCCAGTGAG. GRCh37 (hg19) VCF-style: chr2-220097240-A-AGACTCAGACTCAGCCAGTGAG.
Other names: c.396_416dup, p.Glu138_Glu139insAspSerAspSerAlaSerGlu (NM_001042410.2); c.-235_-215dup (NM_001282792.2).
Identifiers: ClinVar variation 3614309 (VCV003614309.2).